The following is an entry in ClinVar:

NM_014384.3(ACAD8):c.1176G>T (p.Arg392Ser)

Gene: ACAD8 (acyl-CoA dehydrogenase family member 8; plus strand). Cytogenetic location: 11q25.
Variant type: single nucleotide variant.
Coding change: c.1176G>T on transcript NM_014384.3 (MANE Select); coding-DNA position 1176, G replaced by T.
Protein change: p.Arg392Ser; replaces arginine 392 with serine.
Molecular consequence: missense variant.
Genome position (GRCh38, 1-based): chr11:134,262,603, G>T. VCF-style: chr11-134262603-G-T. GRCh37 (hg19) VCF-style: chr11-134132497-G-T.
Other names: short protein forms R392S.
Identifiers: ClinVar variation 3134607 (VCV003134607.3), dbSNP rs766307334, ClinGen allele CA6373249.

ClinVar aggregate classification (germline): Pathogenic. Review status: criteria provided, multiple submitters, no conflicts (2 of 4 stars). 2 submissions from 2 submitters: Pathogenic (2). Last evaluated 2024-03-04.

Conditions:
Inborn genetic diseases. Identifiers: MedGen C0950123, MeSH D030342.
Deficiency of isobutyryl-CoA dehydrogenase. Also called: ACYL-CoA DEHYDROGENASE FAMILY, MEMBER 8, DEFICIENCY OF; IBD DEFICIENCY; ACAD8 DEFICIENCY. Identifiers: Orphanet 79159, MedGen C1969809, MONDO:0012648, OMIM 611283.

Allele frequency attached by ClinVar (database versions not stated): TOPMed below 0.00001; ExAC 0.00003.
gnomAD v4.1: 2 of 1,613,898 alleles (0.00012%); highest among the groups gnomAD compares: East Asian, 0.0045%; no homozygotes.

Submissions (2):

Ambry Genetics
Classification: Pathogenic for Inborn genetic diseases. Last evaluated: 2024-03-04. Review status: criteria provided, single submitter. Criteria: Ambry Variant Classification Scheme 2023. Collection method: clinical testing. Allele origin: germline.
Comment: The c.1176G>T (p.R392S) alteration is located in exon 10 (coding exon 10) of the ACAD8 gene. This alteration results from a G to T substitution at nucleotide position 1176, causing the arginine (R) at amino acid position 392 to be replaced by a serine (S). Based on data from gnomAD, the T allele has an overall frequency of 0.001% (2/250962) total alleles studied. The highest observed frequency was 0.011% (2/18388) of East Asian alleles. This variant has been identified in the homozygous state and likely in trans with another ACAD8 variant in individuals with features consistent with Isobutyryl-CoA dehydrogenase deficiency (Wang, 2019; Feng, 2021; Zhou, 2021; Zhuang, 2021). This amino acid position is highly conserved in available vertebrate species. This alteration is predicted to be deleterious by in silico analysis. Based on the available evidence, this alteration is classified as pathogenic.

Juno Genomics, Hangzhou Juno Genomics, Inc
Classification: Pathogenic for Deficiency of isobutyryl-CoA dehydrogenase. Review status: criteria provided, single submitter. Criteria: ACMG Guidelines, 2015. Collection method: clinical testing. Allele origin: germline.
Comment: Absent from controls (or at extremely low frequency if recessive) in Genome Aggregation Database.;Multiple lines of computational evidence support a deleterious effect on the gene or gene product.;For recessive disorders, detected in trans with a pathogenic variant.;Patient's phenotype or family history is highly specific for a disease with a single genetic etiology.

Literature cited by the submitters: PubMed 30612563 (cited by Ambry Genetics); PubMed 34544473 (cited by Ambry Genetics); PubMed 34869113 (cited by Ambry Genetics); PubMed 35154245 (cited by Ambry Genetics).